The following is an entry in ClinVar:

NM_000400.4(ERCC2):c.854_866del (p.Tyr285fs)

Gene: ERCC2 (ERCC excision repair 2, TFIIH core complex helicase subunit; minus strand). Cytogenetic location: 19q13.32.
Variant type: Deletion.
Coding change: c.854_866del on transcript NM_000400.4 (MANE Select); coding-DNA positions 854 to 866, 13 bases deleted (ACCGGCGTCTGGT).
Protein change: p.Tyr285fs; shifts the reading frame from tyrosine 285.
Molecular consequence: frameshift variant.
Genome position (GRCh38, 1-based): chr19:45,364,069-45,364,081, ACCAGACGCCGGT deleted on the plus strand (ACCGGCGTCTGGT on the coding strand, the reverse complement: ERCC2 is on the minus strand); deleting any 13 consecutive bases within chr19:45,364,069-45,364,083 gives the same sequence; the c. name uses the placement nearest the transcript's 3' end. VCF-style (leftmost placement, unchanged base first): chr19-45364068-CACCAGACGCCGGT-C. GRCh37 (hg19) VCF-style: chr19-45867326-CACCAGACGCCGGT-C.
Other names: c.782_794del, p.Tyr261fs (NM_001130867.2); short protein forms Y261fs, Y285fs.
Identifiers: ClinVar variation 2007717 (VCV002007717.4), dbSNP rs2514029982, ClinGen allele CA2580097411.

ClinVar aggregate classification (germline): Pathogenic (1 of 4 stars; one submission).

Submission:

Labcorp Genetics (formerly Invitae), Labcorp
Classification: Pathogenic. Last evaluated: 2022-06-17. Review status: criteria provided, single submitter. Criteria: Invitae Variant Classification Sherloc (09022015). Collection method: clinical testing. Allele origin: germline.
Comment: This sequence change creates a premature translational stop signal (p.Tyr285Trpfs*45) in the ERCC2 gene. It is expected to result in an absent or disrupted protein product. Loss-of-function variants in ERCC2 are known to be pathogenic (PMID: 9238033, 11335038, 19085937, 19934020). This variant is not present in population databases (gnomAD no frequency). This variant has not been reported in the literature in individuals affected with ERCC2-related conditions. For these reasons, this variant has been classified as Pathogenic.

Literature cited by the submitters: PubMed 9238033; PubMed 11335038; PubMed 19085937; PubMed 19934020.